The following is an entry in ClinVar:

ClinVar aggregate classification (germline): Uncertain significance (1 of 4 stars; one submission).

Conditions:
Cardiovascular phenotype. Identifiers: MedGen CN230736.

gnomAD v4.1: 4 of 1,613,264 alleles (0.00025%); highest among the groups gnomAD compares: Non-Finnish European, 0.00034%; no homozygotes.

Submission:

Ambry Genetics
Classification: Uncertain significance for Cardiovascular phenotype. Last evaluated: 2025-07-21. Review status: criteria provided, single submitter. Criteria: Ambry Variant Classification Scheme 2023. Collection method: clinical testing. Allele origin: germline.
Comment: The p.D280N variant (also known as c.838G>A), located in coding exon 9 of the LDLRAP1 gene, results from a G to A substitution at nucleotide position 838. The aspartic acid at codon 280 is replaced by asparagine, an amino acid with highly similar properties. This amino acid position is conserved. In addition, this alteration is predicted to be tolerated by in silico analysis. Based on the available evidence, the clinical significance of this variant remains unclear.

NM_015627.3(LDLRAP1):c.838G>A (p.Asp280Asn)

Gene: LDLRAP1 (low density lipoprotein receptor adaptor protein 1; plus strand). Cytogenetic location: 1p36.11.
Variant type: single nucleotide variant.
Coding change: c.838G>A on transcript NM_015627.3 (MANE Select); coding-DNA position 838, G replaced by A.
Protein change: p.Asp280Asn; replaces aspartic acid 280 with asparagine.
Molecular consequence: missense variant.
Genome position (GRCh38, 1-based): chr1:25,566,903, G>A. VCF-style: chr1-25566903-G-A. GRCh37 (hg19) VCF-style: chr1-25893394-G-A.
Other names: short protein forms D280N.
Identifiers: ClinVar variation 4097179 (VCV004097179.1).